The following is an entry in ClinVar:

ClinVar aggregate classification (germline): Likely pathogenic (1 of 4 stars; one submission).

Conditions:
Fabry disease. Also called: ALPHA-GALACTOSIDASE A DEFICIENCY; ANDERSON-FABRY DISEASE; CERAMIDE TRIHEXOSIDASE DEFICIENCY; GLA DEFICIENCY; HEREDITARY DYSTOPIC LIPIDOSIS; Angiokeratoma corporis diffusum. Identifiers: Orphanet 324, MedGen C0002986, MONDO:0010526, OMIM 301500, HP:0001071. Disease mechanism: Fabry disease is due to inactivating mutations in the X-linked GLA gene resulting in deficiency of the enzyme Alpha Galactosidase-A., loss of function.

Submission:

Genomenon, Inc
Classification: Likely pathogenic for Fabry disease. Last evaluated: 2026-09-08. Review status: criteria provided, single submitter. Criteria: Genomenon Sequence Variant Interpretation Standards - Updated. Collection method: curation. Allele origin: germline. Affected: yes.
Comment: GLA p.Ala352Pro (c.1054G>C) is a missense variant that changes the amino acid at codon 352 from Alanine to Proline. This variant has been observed in at least one proband with clinical features consistent with Fabry disease (PMID:32843101;32347011). At least one functional study has demonstrated a substantial alteration in protein function relative to the wild-type (PMID:27657681). It is absent or not present at a significant frequency in gnomAD. In silico models predict that this variant is possibly or probably damaging. In conclusion, we classify GLA p.Ala352Pro (c.1054G>C) as a likely pathogenic variant.

Literature cited by the submitters: PubMed 32843101; PubMed 32347011; PubMed 27657681.

NM_000169.3(GLA):c.1054G>C (p.Ala352Pro)

Genes: GLA (galactosidase alpha; minus strand), RPL36A-HNRNPH2 (RPL36A-HNRNPH2 readthrough; plus strand). Cytogenetic location: Xq22.1.
Variant type: single nucleotide variant.
Coding change: c.1054G>C on transcript NM_000169.3 (MANE Select); coding-DNA position 1054, G replaced by C.
Protein change: p.Ala352Pro; replaces alanine 352 with proline.
Molecular consequence: missense variant. On other transcripts: non-coding transcript variant (3), intron variant (2).
Genome position (GRCh38, 1-based): chrX:101,398,045, C>G on the plus strand (G>C on the coding strand, the complement: GLA is on the minus strand). VCF-style: chrX-101398045-C-G. GRCh37 (hg19) VCF-style: chrX-100653033-C-G.
Other names: c.1177G>C, p.Ala393Pro (NM_001406747.1); c.300+2588C>G (NM_001199973.2); c.177+6223C>G (NM_001199974.2); short protein forms A352P, A393P.
Identifiers: ClinVar variation 4087627 (VCV004087627.2).